The following is an entry in ClinVar:

NM_006005.3(WFS1):c.358G>T (p.Glu120Ter)

Gene: WFS1 (wolframin ER transmembrane glycoprotein; plus strand). Cytogenetic location: 4p16.1.
Variant type: single nucleotide variant.
Coding change: c.358G>T on transcript NM_006005.3 (MANE Select); coding-DNA position 358, G replaced by T.
Protein change: p.Glu120Ter; replaces glutamic acid 120 with a stop codon.
Molecular consequence: nonsense.
Genome position (GRCh38, 1-based): chr4:6,289,029, G>T. VCF-style: chr4-6289029-G-T. GRCh37 (hg19) VCF-style: chr4-6290756-G-T.
Other names: c.358G>T, p.Glu120Ter (NM_001145853.1); short protein forms E120*.
Identifiers: ClinVar variation 4532239 (VCV004532239.1).
Genomic context (GRCh38, chr4:6,289,029, plus strand): 5'-CTGGTGTCTGGCTTGCAGGTGGGGAAGCACTACCTGCAGTTGGCCGGCGACACGGATGAA[G>T]AACTCAACAGCTGCACCGCTGTGGACTGGCTGGTCCTCGCCGCGAAGCAGGGCCGTCGCG-3'

ClinVar aggregate classification (germline): Likely pathogenic (1 of 4 stars; one submission).

Conditions:
Wolfram syndrome 1 (WFS1). Identifiers: Orphanet 3463, MedGen C4551693, MONDO:0009101, OMIM 222300.

Submission:

MVZ Medizinische Genetik Mainz
Classification: Likely pathogenic for Wolfram syndrome 1. Last evaluated: 2025-11-03. Review status: criteria provided, single submitter. Criteria: UK Practice Guidelines For Variant Classification V4 01 2020. Collection method: clinical testing. Allele origin: germline. Inheritance: Autosomal recessive inheritance. Affected: yes. Observed: 1 variant allele.
Comment: ACMG Criteria: PVS1,PM2_SUP